The following is an entry in ClinVar:

ClinVar aggregate classification (germline): Uncertain significance (1 of 4 stars; one submission).

Allele frequency attached by ClinVar (database versions not stated): gnomAD exomes 0.00001; TOPMed 0.00003; gnomAD 0.00001.
gnomAD v4.1: 21 of 1,613,282 alleles (0.0013%); highest among the groups gnomAD compares: African/African-American, 0.004%; no homozygotes.

Submission:

Labcorp Genetics (formerly Invitae), Labcorp
Classification: Uncertain significance. Last evaluated: 2024-10-08. Review status: criteria provided, single submitter. Criteria: Invitae Variant Classification Sherloc (09022015). Collection method: clinical testing. Allele origin: germline.
Comment: This sequence change replaces arginine, which is basic and polar, with glutamine, which is neutral and polar, at codon 203 of the KCNJ13 protein (p.Arg203Gln). This variant is not present in population databases (gnomAD no frequency). This variant has not been reported in the literature in individuals affected with KCNJ13-related conditions. ClinVar contains an entry for this variant (Variation ID: 958642). Invitae Evidence Modeling of protein sequence and biophysical properties (such as structural, functional, and spatial information, amino acid conservation, physicochemical variation, residue mobility, and thermodynamic stability) indicates that this missense variant is not expected to disrupt KCNJ13 protein function with a negative predictive value of 80%. In summary, the available evidence is currently insufficient to determine the role of this variant in disease. Therefore, it has been classified as a Variant of Uncertain Significance.

NM_002242.4(KCNJ13):c.608G>A (p.Arg203Gln)

Genes: GIGYF2 (GRB10 interacting GYF protein 2; plus strand), KCNJ13 (potassium inwardly rectifying channel subfamily J member 13; minus strand). Cytogenetic location: 2q37.1.
Variant type: single nucleotide variant.
Coding change: c.608G>A on transcript NM_002242.4 (MANE Select); coding-DNA position 608, G replaced by A.
Protein change: p.Arg203Gln; replaces arginine 203 with glutamine.
Molecular consequence: missense variant. On other transcripts: 3 prime UTR variant (1), intron variant (4).
Genome position (GRCh38, 1-based): chr2:232,768,666, C>T on the plus strand (G>A on the coding strand, the complement: KCNJ13 is on the minus strand). VCF-style: chr2-232768666-C-T. GRCh37 (hg19) VCF-style: chr2-233633376-C-T.
Other names: c.*87G>A (NM_001172416.1); c.368G>A, p.Arg123Gln (NM_001172417.1); c.532+7230C>T (NM_001103146.3, NM_015575.4, NM_001103147.2 and 1 more transcripts); short protein forms R203Q, R123Q.
Identifiers: ClinVar variation 958642 (VCV000958642.6), dbSNP rs867979727, ClinGen allele CA66988252.